The following is an entry in ClinVar:

ClinVar aggregate classification (germline): Uncertain significance (1 of 4 stars; one submission).

Conditions:
Oligodontia-cancer predisposition syndrome. Also called: TOOTH AGENESIS-COLORECTAL CANCER SYNDROME. Identifiers: Orphanet 300576, MedGen C1837750, MONDO:0012075, OMIM 608615. Disease mechanism: loss of function.

Submission:

Labcorp Genetics (formerly Invitae), Labcorp
Classification: Uncertain significance for Oligodontia-cancer predisposition syndrome. Last evaluated: 2021-04-24. Review status: criteria provided, single submitter. Criteria: Invitae Variant Classification Sherloc (09022015). Collection method: clinical testing. Allele origin: germline.
Comment: This variant, c.1799_1816dup, results in the insertion of 6 amino acid(s) to the AXIN2 protein (p.Pro600_Ala605dup), but otherwise preserves the integrity of the reading frame. This variant is not present in population databases (ExAC no frequency). This variant has not been reported in the literature in individuals with AXIN2-related conditions. Experimental studies and prediction algorithms are not available or were not evaluated, and the functional significance of this variant is currently unknown. In summary, the available evidence is currently insufficient to determine the role of this variant in disease. Therefore, it has been classified as a Variant of Uncertain Significance.

NM_004655.4(AXIN2):c.1799_1816dup (p.Pro600_Ala605dup)

Gene: AXIN2 (axin 2; minus strand). Cytogenetic location: 17q24.1.
Variant type: Duplication.
Coding change: c.1799_1816dup on transcript NM_004655.4 (MANE Select); coding-DNA positions 1799 to 1816, 18 bases duplicated (CCGGCGGAGCTGGGGCCC).
Protein change: p.Pro600_Ala605dup.
Molecular consequence: inframe insertion. On other transcripts: intron variant (1).
Genome position (GRCh38, 1-based): chr17:65,536,960-65,536,977, GGGCCCCAGCTCCGCCGG duplicated on the plus strand (CCGGCGGAGCTGGGGCCC on the coding strand, the reverse complement: AXIN2 is on the minus strand); duplicating any 18 consecutive bases within chr17:65,536,960-65,536,984 gives the same sequence; the c. name uses the placement nearest the transcript's 3' end. VCF-style (leftmost placement, unchanged base first): chr17-65536959-A-AGGGCCCCAGCTCCGCCGG. GRCh37 (hg19) VCF-style: chr17-63533077-A-AGGGCCCCAGCTCCGCCGG.
Other names: c.1712+347_1712+364dup (NM_001363813.1).
Identifiers: ClinVar variation 1390478 (VCV001390478.8), dbSNP rs2144449859, ClinGen allele CA2573154732.